The following is an entry in ClinVar:

ClinVar aggregate classification (germline): Uncertain significance (1 of 4 stars; one submission).

Conditions:
Inborn genetic diseases. Identifiers: MedGen C0950123, MeSH D030342.

gnomAD v4.1: 1 of 1,613,990 alleles (0.000062%); highest among the groups gnomAD compares: East Asian, 0.0022%; no homozygotes.

Submission:

Ambry Genetics
Classification: Uncertain significance for Inborn genetic diseases. Last evaluated: 2024-05-28. Review status: criteria provided, single submitter. Criteria: Ambry Variant Classification Scheme 2023. Collection method: clinical testing. Allele origin: germline.
Comment: The p.S491P variant (also known as c.1471T>C), located in coding exon 11 of the EPAS1 gene, results from a T to C substitution at nucleotide position 1471. The serine at codon 491 is replaced by proline, an amino acid with similar properties. This amino acid position is conserved. In addition, this alteration is predicted to be tolerated by in silico analysis. Based on the available evidence, the clinical significance of this variant remains unclear.

NM_001430.5(EPAS1):c.1471T>C (p.Ser491Pro)

Gene: EPAS1 (endothelial PAS domain protein 1; plus strand). Cytogenetic location: 2p21.
Variant type: single nucleotide variant.
Coding change: c.1471T>C on transcript NM_001430.5 (MANE Select); coding-DNA position 1471, T replaced by C.
Protein change: p.Ser491Pro; replaces serine 491 with proline.
Molecular consequence: missense variant.
Genome position (GRCh38, 1-based): chr2:46,378,684, T>C. VCF-style: chr2-46378684-T-C. GRCh37 (hg19) VCF-style: chr2-46605823-T-C.
Other names: short protein forms S491P.
Identifiers: ClinVar variation 3275729 (VCV003275729.1).